The following is an entry in ClinVar:

ClinVar aggregate classification (germline): Conflicting classifications of pathogenicity. Review status: criteria provided, conflicting classifications (1 of 4 stars). 5 submissions from 5 submitters: Uncertain significance (2); Likely benign (2). 1 of the submissions does not count toward it. Last evaluated 2026-01-09.

Conditions:
TJP2-related disorder. Also called: TJP2-related condition.

Submissions (5):

Labcorp Genetics (formerly Invitae), Labcorp
Classification: Likely benign. Last evaluated: 2026-01-09. Review status: criteria provided, single submitter. Criteria: Invitae Variant Classification Sherloc (09022015). Collection method: clinical testing. Allele origin: germline.

Blueprint Genetics
Classification: Likely benign. Last evaluated: 2024-01-23. Review status: criteria provided, single submitter. Criteria: ACMG Guidelines, 2015. Collection method: clinical testing. Allele origin: germline.

GeneDx
Classification: Uncertain significance. Last evaluated: 2020-12-03. Review status: criteria provided, single submitter. Criteria: GeneDx Variant Classification Process June 2021. Collection method: clinical testing. Allele origin: germline. Affected: yes.
Comment: Has not been previously published as pathogenic or benign to our knowledge

Eurofins Ntd Llc (ga)
Classification: Uncertain significance. Last evaluated: 2016-07-26. Review status: criteria provided, single submitter. Criteria: EGL Classification Definitions. Collection method: clinical testing. Allele origin: germline. Observed: 2 variant alleles, 2 heterozygotes.

PreventionGenetics, part of Exact Sciences
Classification: Likely benign for TJP2-related condition. Last evaluated: 2022-05-27. Review status: no assertion criteria provided. Collection method: clinical testing. Allele origin: germline. Not counted in ClinVar's aggregate classification.
Comment: This variant is classified as likely benign based on ACMG/AMP sequence variant interpretation guidelines (Richards et al. 2015 PMID: 25741868, with internal and published modifications).

NM_004817.4(TJP2):c.850AGCCGC[3] (p.284SR[3])

Gene: TJP2 (tight junction protein 2; plus strand). Cytogenetic location: 9q21.11.
Variant type: Microsatellite.
Coding change: c.850AGCCGC[3] on transcript NM_004817.4 (MANE Select); three copies in a row of the 6-base unit AGCCGC starting at c.850; the reference has two copies in a row; one copy, 6 bases duplicated.
Protein change: p.284SR[3].
Molecular consequence: inframe insertion.
Genome position (GRCh38, 1-based): chr9:69,221,400-69,221,405, AGCCGC duplicated; duplicating any 6 consecutive bases within chr9:69,221,394-69,221,405 gives the same sequence; the position shown is the placement nearest the transcript's 3' end. VCF-style (leftmost placement, unchanged base first): chr9-69221393-A-AAGCCGC. GRCh37 (hg19) VCF-style: chr9-71836309-A-AAGCCGC.
Other names: c.856_861dup6 (NM_004817.3); c.781AGCCGC[3], p.261SR[3] (NM_001170414.2, NM_001369870.1, NM_001369871.1); c.862AGCCGC[3], p.288SR[3] (NM_001170415.1, NM_001369874.1, NM_001369875.1); c.943AGCCGC[3], p.315SR[3] (NM_001170416.2); c.850AGCCGC[3], p.284SR[3] (NM_001369872.1, NM_001369873.1, NM_201629.3).
Identifiers: ClinVar variation 289826 (VCV000289826.15), dbSNP rs760152519, ClinGen allele CA5073113.